The following is an entry in ClinVar:

NM_003072.5(SMARCA4):c.3816C>T (p.Ala1272=)

Gene: SMARCA4 (SWI/SNF related BAF chromatin remodeling complex subunit ATPase 4; plus strand). Cytogenetic location: 19p13.2.
Variant type: single nucleotide variant.
Coding change: c.3816C>T on transcript NM_003072.5 (MANE Select); coding-DNA position 3816, C replaced by T.
Protein change: p.Ala1272=; no amino-acid change (alanine 1272 retained).
Molecular consequence: synonymous variant. On other transcripts: intron variant (6).
Genome position (GRCh38, 1-based): chr19:11,033,808, C>T. VCF-style: chr19-11033808-C-T. GRCh37 (hg19) VCF-style: chr19-11144484-C-T.
Other names: c.3816C>T, p.Ala1272= (NM_001128844.3, NM_001128849.3, NM_001387283.1); c.3774+291C>T (NM_001128847.4, NM_001411150.1, NM_001374457.1 and 3 more transcripts).
Identifiers: ClinVar variation 1735201 (VCV001735201.3), dbSNP rs2515303245, ClinGen allele CA505743742.

ClinVar aggregate classification (germline): Benign/Likely benign. Review status: criteria provided, multiple submitters, no conflicts (2 of 4 stars). 2 submissions from 2 submitters: Benign (1); Likely benign (1). Last evaluated 2026-07-15.

Conditions:
Rhabdoid tumor predisposition syndrome 2 (RTPS2). Identifiers: Orphanet 231108, Orphanet 69077, MedGen C2750074, MONDO:0013224, OMIM 613325.
Hereditary cancer-predisposing syndrome. Also called: Hereditary neoplastic syndrome; Neoplastic Syndromes, Hereditary; Tumor predisposition; Hereditary Cancer Syndrome. Identifiers: Orphanet 140162, MedGen C0027672, MeSH D009386, MONDO:0015356.

Submissions (2):

Myriad Genetics, Inc.
Classification: Benign for Rhabdoid tumor predisposition syndrome 2. Last evaluated: 2026-07-15. Review status: criteria provided, single submitter. Criteria: Myriad Autosomal Dominant, Autosomal Recessive and X-Linked Classification Criteria (2023). Collection method: clinical testing. Allele origin: unknown.
Comment: This variant is considered benign. This variant is a silent/synonymous amino acid change and it is not expected to impact splicing.

Ambry Genetics
Classification: Likely benign for Hereditary cancer-predisposing syndrome. Last evaluated: 2020-09-18. Review status: criteria provided, single submitter. Criteria: Ambry Variant Classification Scheme 2023. Collection method: clinical testing. Allele origin: germline.